The following is an entry in ClinVar:

NC_000008.11:g.(?_116857267)_(116863259_?)del

Gene: RAD21 (RAD21 cohesin complex component; minus strand). Cytogenetic location: 8q24.11.
Variant type: Deletion.
Identifiers: ClinVar variation 830828 (VCV000830828.7).

ClinVar aggregate classification (germline): Pathogenic (1 of 4 stars; one submission).

Conditions:
Cornelia de Lange syndrome 4 (CDLS4). Also called: CORNELIA DE LANGE SYNDROME 4 WITH OR WITHOUT MIDLINE BRAIN DEFECTS; RAD21-Related Cornelia de Lange Syndrome. Identifiers: Orphanet 199, MedGen C3553517, MONDO:0013864, OMIM 614701.

Submission:

Labcorp Genetics (formerly Invitae), Labcorp
Classification: Pathogenic for Cornelia de Lange syndrome 4. Last evaluated: 2019-11-01. Review status: criteria provided, single submitter. Criteria: Invitae Variant Classification Sherloc (09022015). Collection method: clinical testing. Allele origin: germline.
Comment: For these reasons, this variant has been classified as Pathogenic. Loss-of-function variants in RAD21 are known to be pathogenic (PMID: 22633399, 24378232, 27620904, 27882533). This variant has not been reported in the literature in individuals with RAD21-related conditions. This variant is an out-of-frame deletion of the genomic region encompassing exons 3-6 of the RAD21 gene. This is expected to create a premature translational stop signal and result in an absent or disrupted protein product.

Literature cited by the submitters: PubMed 22633399; PubMed 24378232; PubMed 27620904; PubMed 27882533.